The following is an entry in ClinVar:

NM_000070.3(CAPN3):c.1390C>T (p.Leu464Phe)

Genes: CAPN3 (calpain 3; plus strand), LOC130056921 (ATAC-STARR-seq lymphoblastoid active region 9300; plus strand). Cytogenetic location: 15q15.1.
Variant type: single nucleotide variant.
Coding change: c.1390C>T on transcript NM_000070.3 (MANE Select); coding-DNA position 1390, C replaced by T.
Protein change: p.Leu464Phe; replaces leucine 464 with phenylalanine.
Molecular consequence: missense variant.
Genome position (GRCh38, 1-based): chr15:42,401,676, C>T. VCF-style: chr15-42401676-C-T. GRCh37 (hg19) VCF-style: chr15-42693874-C-T.
Other names: c.1390C>T, p.Leu464Phe (NM_024344.2); c.1246C>T, p.Leu416Phe (NM_173087.2); c.1390C>T (NM_000070.2); short protein forms L416F, L464F.
Identifiers: ClinVar variation 3896796 (VCV003896796.2).

ClinVar aggregate classification (germline): Uncertain significance. Review status: criteria provided, single submitter (1 of 4 stars). 2 submissions from 2 submitters: Uncertain significance (1). 1 of the submissions does not count toward it. Last evaluated 2022-08-20.

Conditions:
Autosomal recessive limb-girdle muscular dystrophy type 2A (LGMDR1). Also called: LEYDEN-MOEBIUS MUSCULAR DYSTROPHY; MUSCULAR DYSTROPHY, PELVOFEMORAL; Limb-girdle muscular dystrophy, type 2A; Muscular dystrophy, limb-girdle, type 2A, Amish; Calpainopathy. Identifiers: Orphanet 267, MedGen C1869123, MONDO:0009675, OMIM 253600. Disease mechanism: loss of function.
Muscular dystrophy, limb-girdle, autosomal dominant 4. Also called: MUSCULAR DYSTROPHY, LIMB-GIRDLE, TYPE 1I; Calpain-3-related limb-girdle muscular dystrophy D4. Identifiers: Orphanet 565909, MedGen C4748295, MONDO:0029133, OMIM 618129.

Submissions (2):

Kariminejad - Najmabadi Pathology & Genetics Center
Classification: Uncertain significance for Muscular dystrophy, limb-girdle, autosomal dominant 4; Autosomal recessive limb-girdle muscular dystrophy type 2A. Last evaluated: 2022-08-20. Review status: criteria provided, single submitter. Criteria: ACMG Guidelines, 2015. Collection method: clinical testing. Allele origin: germline. Inheritance: Autosomal dominant inheritance. Affected: yes.
Comment: PM2-PP3

Natera, Inc.
Classification: Uncertain significance for Limb-girdle muscular dystrophy type 2A. Last evaluated: 2025-05-08. Review status: no assertion criteria provided. Collection method: clinical testing. Allele origin: germline. Not counted in ClinVar's aggregate classification.